The following is an entry in ClinVar:

ClinVar aggregate classification (germline): Pathogenic/Likely pathogenic. Review status: criteria provided, multiple submitters, no conflicts (2 of 4 stars). 5 submissions from 5 submitters: Pathogenic (3); Likely pathogenic (2). Last evaluated 2024-05-08.

Conditions:
Peroxisome biogenesis disorder 1A (Zellweger) (PBD1A). Also called: Peroxisome biogenesis disorder 1a; Zellweger leukodystrophy. Identifiers: MedGen C4721541, MONDO:0008953, OMIM 214100.
Peroxisome biogenesis disorder. Identifiers: Orphanet 79189, MedGen C1832200, MONDO:0019234. Disease mechanism: loss of function.
PEX1-related disorder. Also called: PEX1-related condition.
Heimler syndrome 1 (HMLR1). Also called: PEROXISOME BIOGENESIS DISORDER 1C. Identifiers: Orphanet 3220, MedGen C4551980, OMIM 234580, MONDO:0024544.
Zellweger spectrum disorders (ZS). Also called: Zellweger syndrome; Zellweger Spectrum Disorder (ZSD); Zellweger Spectrum Disorder; Zellweger Spectrum. Identifiers: Orphanet 912, MedGen C0043459, MONDO:0019609.

Submissions (5):

Myriad Genetics, Inc.
Classification: Pathogenic for Peroxisome biogenesis disorder. Last evaluated: 2024-05-08. Review status: criteria provided, single submitter. Criteria: Myriad Autosomal Dominant, Autosomal Recessive and X-Linked Classification Criteria (2023). Collection method: clinical testing. Allele origin: unknown.
Comment: NM_000466.2(PEX1):c.831_834delGTCA(S278Rfs*5) is expected to be pathogenic in the context of peroxisome biogenesis disorder type 1. This variant is predicted to lead to an abnormal or absent protein product due to the creation of a premature termination codon in PEX1, a gene where loss-of-function variants are known to be pathogenic. Please note: this variant was assessed in the context of healthy population screening.

Baylor Genetics
Classification: Likely pathogenic for Heimler syndrome 1. Last evaluated: 2022-03-05. Review status: criteria provided, single submitter. Criteria: ACMG Guidelines, 2015. Collection method: clinical testing. Allele origin: unknown.

Victorian Clinical Genetics Services, Murdoch Childrens Research Institute
Classification: Pathogenic for Peroxisome biogenesis disorder 1A (Zellweger). Last evaluated: 2022-02-02. Review status: criteria provided, single submitter. Criteria: ACMG Guidelines, 2015. Collection method: clinical testing. Allele origin: germline. Inheritance: Autosomal recessive inheritance.
Comment: Based on the classification scheme VCGS_Germline_v1.3.4, this variant is classified as Pathogenic. Following criteria are met: 0102 - Loss of function is a known mechanism of disease in this gene and is associated with Heimler syndrome 1 (MIM#234580), peroxisome biogenesis disorder 1A (Zellweger; MIM#214100), and peroxisome biogenesis disorder 1B (NALD/IRD; MIM#601539). (I) 0106 - This gene is associated with autosomal recessive disease. (I) 0201 - Variant is predicted to cause nonsense-mediated decay (NMD) and loss of protein (premature termination codon is located at least 54 nucleotides upstream of the final exon-exon junction). (SP) 0251 - This variant is heterozygous. (I) 0301 - Variant is absent from gnomAD (both v2 and v3). (SP) 0701 - Other null variants comparable to the one identified in this case have very strong previous evidence for pathogenicity. There are at least ten likely pathogenic and pathogenic NMD-predicted variants that have been reported (ClinVar, DECIPHER). (SP) 0807 - This variant has no previous evidence of pathogenicity. (I) 0905 - No published segregation evidence has been identified for this variant. (I) 1007 - No published functional evidence has been identified for this variant. (I) 1208 - Inheritance information for this variant is not currently available in this individual. (I) Legend: (SP) - Supporting pathogenic, (I) - Information, (SB) - Supporting benign

Labcorp Genetics (formerly Invitae), Labcorp
Classification: Pathogenic for Zellweger spectrum disorders. Last evaluated: 2021-09-06. Review status: criteria provided, single submitter. Criteria: Invitae Variant Classification Sherloc (09022015). Collection method: clinical testing. Allele origin: germline.
Comment: This variant has not been reported in the literature in individuals affected with PEX1-related conditions. For these reasons, this variant has been classified as Pathogenic. This sequence change creates a premature translational stop signal (p.Ser278Argfs*5) in the PEX1 gene. It is expected to result in an absent or disrupted protein product. Loss-of-function variants in PEX1 are known to be pathogenic (PMID: 9398847, 16086329, 16141001, 21031596, 26387595, 31831025). This variant is not present in population databases (ExAC no frequency).

Blueprint Genetics
Classification: Likely pathogenic for PEX1-related disorders. Last evaluated: 2018-11-20. Review status: criteria provided, single submitter. Criteria: ACMG Guidelines, 2015. Collection method: clinical testing. Allele origin: germline. Affected: yes. Observed: 1 variant allele.

Literature cited by the submitters: PubMed 9398847 (cited by Labcorp Genetics (formerly Invitae), Labcorp); PubMed 16086329 (cited by Labcorp Genetics (formerly Invitae), Labcorp); PubMed 16141001 (cited by Labcorp Genetics (formerly Invitae), Labcorp); PubMed 21031596 (cited by Labcorp Genetics (formerly Invitae), Labcorp); PubMed 26387595 (cited by Labcorp Genetics (formerly Invitae), Labcorp); PubMed 31831025 (cited by Labcorp Genetics (formerly Invitae), Labcorp).

NM_000466.3(PEX1):c.831_834del (p.Ser278fs)

Gene: PEX1 (peroxisomal biogenesis factor 1; minus strand). Cytogenetic location: 7q21.2.
Variant type: Deletion.
Coding change: c.831_834del on transcript NM_000466.3 (MANE Select); coding-DNA positions 831 to 834, 4 bases deleted (GTCA; older notation c.831_834delGTCA).
Protein change: p.Ser278fs; shifts the reading frame from serine 278.
Molecular consequence: frameshift variant.
Genome position (GRCh38, 1-based): chr7:92,517,681-92,517,684, TGAC deleted on the plus strand (GTCA on the coding strand, the reverse complement: PEX1 is on the minus strand); deleting any 4 consecutive bases within chr7:92,517,681-92,517,686 gives the same sequence; the c. name uses the placement nearest the transcript's 3' end. VCF-style (leftmost placement, unchanged base first): chr7-92517680-TTGAC-T. GRCh37 (hg19) VCF-style: chr7-92146994-TTGAC-T.
Other names: c.831_834del, p.Ser278fs (NM_001282677.2); c.207_210del, p.Ser70fs (NM_001282678.2); short protein forms S70fs, S278fs.
Identifiers: ClinVar variation 1457878 (VCV001457878.12), dbSNP rs2116245323, ClinGen allele CA2573131748.
Genomic context (GRCh38, chr7:92,517,680, plus strand): 5'-TATATATACTAGGAGGTTGAGATTTGCATACTCTGAAAATATTGTCTAGAGGAACAACCT[TTGAC>T]TGCATATTTTTGAATGCATTGATTTCAGTTAAACCCCAAGATGTCTCTTGTTTCTTCTCA-3'